The following is an entry in ClinVar:

NC_000007.14:g.156763899G>A

Genes: LMBR1 (limb development membrane protein 1; minus strand), SHH (sonic hedgehog signaling molecule; minus strand). Cytogenetic location: 7q36.3.
Variant type: single nucleotide variant.
Molecular consequence: intron variant (on NM_022458.4).
Genome position: GRCh38 VCF-style: chr7-156763899-G-A. GRCh37 (hg19) VCF-style: chr7-156556593-G-A.
Other names: c.361-104C>T (NM_001363412.2); c.145-104C>T (NM_001350954.2); c.424-104C>T (NM_001363410.2, NM_022458.4, NM_001363409.2 and 1 more transcripts); c.-33-104C>T (NM_001350958.2, NM_001350956.2, NM_001350955.2 and 1 more transcripts); c.55-104C>T (NM_001350957.2, NM_001363411.2).
Identifiers: ClinVar variation 3700542 (VCV003700542.2).
Genomic context (GRCh38, chr7:156,763,899, plus strand): 5'-TTCATGAACAATAAGGTTTCTGCCTATATGAAAGCATAAAATAATCCCTTGGAAGGAGAG[G>A]AAATTTATATTTATTAAAAGGAAAAAAACACTAGGTACTTATGGTTTACAATGTTTAGAC-3'

ClinVar aggregate classification (germline): Uncertain significance (1 of 4 stars; one submission).

Conditions:
Holoprosencephaly 3 (HPE3). Identifiers: Orphanet 2162, MedGen C1840529, MONDO:0007733, OMIM 142945.

gnomAD v4.1: 12 of 841,932 alleles (0.0014%); highest among the groups gnomAD compares: Non-Finnish European, 0.002%; no homozygotes.

Submission:

Labcorp Genetics (formerly Invitae), Labcorp
Classification: Uncertain significance for Holoprosencephaly 3. Last evaluated: 2024-06-19. Review status: criteria provided, single submitter. Criteria: Invitae Variant Classification Sherloc (09022015). Collection method: clinical testing. Allele origin: germline.
Comment: This variant occurs in a non-coding region of the SHH gene. It does not change the encoded amino acid sequence of the SHH protein. This variant is present in population databases (no rsID available, gnomAD 0.01%). This variant has not been reported in the literature in individuals affected with SHH-related conditions. Experimental studies and prediction algorithms are not available or were not evaluated, and the effect of this variant on mRNA splicing is currently unknown. In summary, the available evidence is currently insufficient to determine the role of this variant in disease. Therefore, it has been classified as a Variant of Uncertain Significance.